The following is an entry in ClinVar:

NM_020764.4(CASKIN1):c.3495G>A (p.Pro1165=)

Gene: CASKIN1 (CASK interacting protein 1; minus strand). Cytogenetic location: 16p13.3.
Variant type: single nucleotide variant.
Coding change: c.3495G>A on transcript NM_020764.4 (MANE Select); coding-DNA position 3495, G replaced by A.
Protein change: p.Pro1165=; no amino-acid change (proline 1165 retained).
Molecular consequence: synonymous variant.
Genome position (GRCh38, 1-based): chr16:2,179,873, C>T on the plus strand (G>A on the coding strand, the complement: CASKIN1 is on the minus strand). VCF-style: chr16-2179873-C-T. GRCh37 (hg19) VCF-style: chr16-2229874-C-T.
Identifiers: ClinVar variation 2646052 (VCV002646052.24), dbSNP rs967877767, ClinGen allele CA276788832.

ClinVar aggregate classification (germline): Likely benign (1 of 4 stars; one submission).

Allele frequency attached by ClinVar (database versions not stated): gnomAD exomes 0.00001; TOPMed 0.00001.

Submission:

CeGaT Center for Human Genetics Tuebingen
Classification: Likely benign. Last evaluated: 2022-12-01. Review status: criteria provided, single submitter. Criteria: CeGaT Center For Human Genetics Tuebingen Variant Classification Criteria Version 2. Collection method: clinical testing. Allele origin: germline. Affected: yes. Observed: 1 variant allele.
Comment: CASKIN1: BP4, BP7